The following is an entry in ClinVar:

NM_004820.5(CYP7B1):c.88C>T (p.Leu30Phe)

Gene: CYP7B1 (cytochrome P450 family 7 subfamily B member 1; minus strand). Cytogenetic location: 8q12.3.
Variant type: single nucleotide variant.
Coding change: c.88C>T on transcript NM_004820.5 (MANE Select); coding-DNA position 88, C replaced by T.
Protein change: p.Leu30Phe; replaces leucine 30 with phenylalanine.
Molecular consequence: missense variant.
Genome position (GRCh38, 1-based): chr8:64,798,500, G>A on the plus strand (C>T on the coding strand, the complement: CYP7B1 is on the minus strand). VCF-style: chr8-64798500-G-A. GRCh37 (hg19) VCF-style: chr8-65711057-G-A.
Other names: c.88C>T, p.Leu30Phe (NM_001324112.2); c.88C>T (NM_004820.3); short protein forms L30F.
Identifiers: ClinVar variation 2084942 (VCV002084942.3), dbSNP rs764720189, ClinGen allele CA4764307.

ClinVar aggregate classification (germline): Uncertain significance. Review status: criteria provided, multiple submitters, no conflicts (2 of 4 stars). 2 submissions from 2 submitters: Uncertain significance (2). Last evaluated 2023-07-12.

Conditions:
Inborn genetic diseases. Identifiers: MedGen C0950123, MeSH D030342.
Spastic paraplegia. Identifiers: MedGen C0037772, HP:0001258.

Allele frequency attached by ClinVar (database versions not stated): gnomAD exomes 0.00004; TOPMed 0.00005; gnomAD 0.00006; ExAC 0.00058.
gnomAD v4.1: 68 of 1,509,856 alleles (0.0045%); highest among the groups gnomAD compares: South Asian, 0.07%; 2 homozygotes.

Submissions (2):

Ambry Genetics
Classification: Uncertain significance for Inborn genetic diseases. Last evaluated: 2023-07-12. Review status: criteria provided, single submitter. Criteria: Ambry Variant Classification Scheme 2023. Collection method: clinical testing. Allele origin: germline.

Labcorp Genetics (formerly Invitae), Labcorp
Classification: Uncertain significance for Spastic paraplegia. Last evaluated: 2022-08-19. Review status: criteria provided, single submitter. Criteria: Invitae Variant Classification Sherloc (09022015). Collection method: clinical testing. Allele origin: germline.
Comment: This sequence change replaces leucine, which is neutral and non-polar, with phenylalanine, which is neutral and non-polar, at codon 30 of the CYP7B1 protein (p.Leu30Phe). The frequency data for this variant in the population databases is considered unreliable, as metrics indicate poor data quality at this position in the gnomAD database. This variant has not been reported in the literature in individuals affected with CYP7B1-related conditions. Algorithms developed to predict the effect of missense changes on protein structure and function are either unavailable or do not agree on the potential impact of this missense change (SIFT: "Tolerated"; PolyPhen-2: "Possibly Damaging"; Align-GVGD: "Class C0"). In summary, the available evidence is currently insufficient to determine the role of this variant in disease. Therefore, it has been classified as a Variant of Uncertain Significance.